The following is an entry in ClinVar:

ClinVar aggregate classification (germline): Benign. Review status: criteria provided, multiple submitters, no conflicts (2 of 4 stars). 4 submissions from 4 submitters: Benign (3). 1 of the submissions does not count toward it. Last evaluated 2026-02-02.

Conditions:
Primary hyperoxaluria type 3. Also called: PH III. Identifiers: Orphanet 416, Orphanet 93600, MedGen C3150878, MONDO:0013327, OMIM 613616. Disease mechanism: loss of function.

Allele frequency attached by ClinVar (database versions not stated): gnomAD exomes 0.00249; ExAC 0.00321; gnomAD 0.00963 and 0.01024; TOPMed 0.01033; ESP Exome Variant Server 0.01115; 1000 Genomes Project 0.01258; 1000 Genomes Project 30x 0.01343.
gnomAD v4.1: 2,762 of 1,613,182 alleles (0.17%); highest among the groups gnomAD compares: African/African-American, 3.3%; 34 homozygotes.

Submissions (4):

Labcorp Genetics (formerly Invitae), Labcorp
Classification: Benign. Last evaluated: 2026-02-02. Review status: criteria provided, single submitter. Criteria: Invitae Variant Classification Sherloc (09022015). Collection method: clinical testing. Allele origin: germline.

Illumina Laboratory Services, Illumina
Classification: Benign for Primary hyperoxaluria type 3. Last evaluated: 2018-01-12. Review status: criteria provided, single submitter. Criteria: ICSL Variant Classification Criteria 13 December 2019. Collection method: clinical testing. Allele origin: germline.
Comment: This variant was observed in the ICSL laboratory as part of a predisposition screen in an ostensibly healthy population. It had not been previously curated by ICSL or reported in the Human Gene Mutation Database (HGMD: prior to June 1st, 2018), and was therefore a candidate for classification through an automated scoring system. Utilizing variant allele frequency, disease prevalence and penetrance estimates, and inheritance mode, an automated score was calculated to assess if this variant is too frequent to cause the disease. Based on the score and internal cut-off values, a variant classified as benign is not then subjected to further curation. The score for this variant resulted in a classification of benign for this disease.

Breakthrough Genomics
Classification: Benign. Review status: criteria provided, single submitter. Criteria: ACMG Guidelines, 2015. Collection method: not provided. Allele origin: germline. Inheritance: Autosomal recessive inheritance. Affected: yes.

Natera, Inc.
Classification: Benign for Primary hyperoxaluria type III. Last evaluated: 2020-09-16. Review status: no assertion criteria provided. Collection method: clinical testing. Allele origin: germline. Not counted in ClinVar's aggregate classification.

NM_138413.4(HOGA1):c.777G>A (p.Thr259=)

Gene: HOGA1 (4-hydroxy-2-oxoglutarate aldolase 1; plus strand). Cytogenetic location: 10q24.2.
Variant type: single nucleotide variant.
Coding change: c.777G>A on transcript NM_138413.4 (MANE Select); coding-DNA position 777, G replaced by A.
Protein change: p.Thr259=; no amino-acid change (threonine 259 retained).
Molecular consequence: synonymous variant.
Genome position (GRCh38, 1-based): chr10:97,601,933, G>A. VCF-style: chr10-97601933-G-A. GRCh37 (hg19) VCF-style: chr10-99361690-G-A.
Other names: c.288G>A, p.Thr96= (NM_001134670.2).
Identifiers: ClinVar variation 301796 (VCV000301796.17), dbSNP rs34820265, ClinGen allele CA5634237.
Genomic context (GRCh38, chr10:97,601,933, plus strand): 5'-CTGCGCCCTGGCCAATGTCCTGGGGGCTCAGGTGTGCCAGCTGGAGCGACTGTGCTGCAC[G>A]GGGCAATGGGAAGATGCCCAGAAACTGCAGCACCGCCTCATTGAGCCAAACGCTGCGGTG-3'
Protein context (NP_612422.2, residues 249-269): QVCQLERLCC[Thr259=]GQWEDAQKLQ